The following is an entry in ClinVar:

NM_177438.3(DICER1):c.3342T>C (p.Ser1114=)

Gene: DICER1 (dicer 1, ribonuclease III; minus strand). Cytogenetic location: 14q32.13.
Variant type: single nucleotide variant.
Coding change: c.3342T>C on transcript NM_177438.3 (MANE Select); coding-DNA position 3342, T replaced by C.
Protein change: p.Ser1114=; no amino-acid change (serine 1114 retained).
Molecular consequence: synonymous variant. On other transcripts: non-coding transcript variant (4).
Genome position (GRCh38, 1-based): chr14:95,104,054, A>G on the plus strand (T>C on the coding strand, the complement: DICER1 is on the minus strand). VCF-style: chr14-95104054-A-G. GRCh37 (hg19) VCF-style: chr14-95570391-A-G.
Other names: c.3342T>C, p.Ser1114= (NM_001195573.1, NM_001271282.3, NM_001291628.2 and 13 more transcripts); c.3060T>C, p.Ser1020= (NM_001395686.1); c.2937T>C, p.Ser979= (NM_001395687.1, NM_001395688.1, NM_001395689.1 and 2 more transcripts); c.2775T>C, p.Ser925= (NM_001395691.1); c.1659T>C, p.Ser553= (NM_001395697.1).
Identifiers: ClinVar variation 1730436 (VCV001730436.3), dbSNP rs2542719847, ClinGen allele CA487844692.

ClinVar aggregate classification (germline): Benign/Likely benign. Review status: criteria provided, multiple submitters, no conflicts (2 of 4 stars). 2 submissions from 2 submitters: Benign (1); Likely benign (1). Last evaluated 2026-08-19.

Conditions:
DICER1-related tumor predisposition. Also called: DICER1-related pleuropulmonary blastoma cancer predisposition syndrome; DICER1 syndrome. Identifiers: Orphanet 284343, MedGen C3839822, MONDO:0100216.
Hereditary cancer-predisposing syndrome. Also called: Hereditary neoplastic syndrome; Neoplastic Syndromes, Hereditary; Tumor predisposition; Hereditary Cancer Syndrome. Identifiers: Orphanet 140162, MedGen C0027672, MeSH D009386, MONDO:0015356.

Submissions (2):

Myriad Genetics, Inc.
Classification: Benign for DICER1-related tumor predisposition. Last evaluated: 2026-08-19. Review status: criteria provided, single submitter. Criteria: Myriad Autosomal Dominant, Autosomal Recessive and X-Linked Classification Criteria (2023). Collection method: clinical testing. Allele origin: unknown.
Comment: This variant is considered benign. This variant is a silent/synonymous amino acid change and it is not expected to impact splicing.

Ambry Genetics
Classification: Likely benign for Hereditary cancer-predisposing syndrome. Last evaluated: 2022-04-12. Review status: criteria provided, single submitter. Criteria: Ambry Variant Classification Scheme 2023. Collection method: clinical testing. Allele origin: germline.